The following is an entry in ClinVar:

ClinVar aggregate classification (germline): Uncertain significance (1 of 4 stars; one submission).

Allele frequency attached by ClinVar (database versions not stated): gnomAD exomes below 0.00001; TOPMed below 0.00001.
gnomAD v4.1: 2 of 1,613,982 alleles (0.00012%); highest among the groups gnomAD compares: Non-Finnish European, 0.00017%; no homozygotes.

Submission:

Ambry Genetics
Classification: Uncertain significance. Last evaluated: 2023-01-26. Review status: criteria provided, single submitter. Criteria: Ambry Variant Classification Scheme 2023. Collection method: clinical testing. Allele origin: germline.
Comment: The p.K675R variant (also known as c.2024A>G), located in coding exon 13 of the POLQ gene, results from an A to G substitution at nucleotide position 2024. The lysine at codon 675 is replaced by arginine, an amino acid with highly similar properties. This amino acid position is conserved. In addition, this alteration is predicted to be tolerated by in silico analysis. Since supporting evidence is limited at this time, the clinical significance of this alteration remains unclear.

NM_199420.4(POLQ):c.2024A>G (p.Lys675Arg)

Gene: POLQ (DNA polymerase theta; minus strand). Cytogenetic location: 3q13.33.
Variant type: single nucleotide variant.
Coding change: c.2024A>G on transcript NM_199420.4 (MANE Select); coding-DNA position 2024, A replaced by G.
Protein change: p.Lys675Arg; replaces lysine 675 with arginine.
Molecular consequence: missense variant.
Genome position (GRCh38, 1-based): chr3:121,498,606, T>C on the plus strand (A>G on the coding strand, the complement: POLQ is on the minus strand). VCF-style: chr3-121498606-T-C. GRCh37 (hg19) VCF-style: chr3-121217453-T-C.
Other names: short protein forms K675R.
Identifiers: ClinVar variation 2497174 (VCV002497174.2), dbSNP rs2048143242, ClinGen allele CA354110686.